The following is an entry in ClinVar:

NM_001110556.2(FLNA):c.2726T>C (p.Val909Ala)

Gene: FLNA (filamin A; minus strand). Cytogenetic location: Xq28.
Variant type: single nucleotide variant.
Coding change: c.2726T>C on transcript NM_001110556.2 (MANE Select); coding-DNA position 2726, T replaced by C.
Protein change: p.Val909Ala; replaces valine 909 with alanine.
Molecular consequence: missense variant.
Genome position (GRCh38, 1-based): chrX:154,362,079, A>G on the plus strand (T>C on the coding strand, the complement: FLNA is on the minus strand). VCF-style: chrX-154362079-A-G. GRCh37 (hg19) VCF-style: chrX-153590447-A-G.
Other names: c.2726T>C, p.Val909Ala (NM_001456.4); short protein forms V909A.
Identifiers: ClinVar variation 1308610 (VCV001308610.6), dbSNP rs1557178152, ClinGen allele CA415232905.
Genomic context (GRCh38, chrX:154,362,079, plus strand): 5'-TGGTGGTCGATGATGTCCACATCTCGCACTGCATCCCCCTTGGTGAGTCCTGAGAACTGG[A>G]CGTCCAGCTTGCCTTTGCCAGCAGCTTTGGCATTTACTGTGAAGTGGGTGGGCTTGCCAA-3'
Protein context (NP_001104026.1, residues 899-919): AKAAGKGKLD[Val909Ala]QFSGLTKGDA

ClinVar aggregate classification (germline): Conflicting classifications of pathogenicity. Review status: criteria provided, conflicting classifications (1 of 4 stars). 2 submissions from 2 submitters: Uncertain significance (1); Likely benign (1). Last evaluated 2025-08-25.

Conditions:
Melnick-Needles syndrome (MNS). Also called: MELNICK-NEEDLES OSTEODYSPLASTY; OSTEODYSPLASTY OF MELNICK AND NEEDLES; Melnick-Needles Syndrome (FLNA-MNS). Identifiers: Orphanet 2484, MedGen C0025237, MONDO:0010650, OMIM 309350.
Frontometaphyseal dysplasia (FMD1). Identifiers: MONDO:0015942, Orphanet 1826, MedGen C0265293.
Oto-palato-digital syndrome, type II (OPD2). Also called: Otopalatodigital Syndrome, Type II; FACIOPALATOOSSEOUS SYNDROME; OPD II SYNDROME; Otopalatodigital Syndrome Type 2 (FLNA-OPD2). Identifiers: Orphanet 669, Orphanet 90652, MedGen C1844696, MONDO:0010571, OMIM 304120.
Heterotopia, periventricular, X-linked dominant (PVNH1). Also called: X-linked periventricular heterotopia; PERIVENTRICULAR NODULAR HETEROTOPIA 4; HETEROTOPIA, PERIVENTRICULAR, 1; PERIVENTRICULAR NODULAR HETEROTOPIA 1. Identifiers: Orphanet 2149, Orphanet 82004, MedGen C1848213, MONDO:0010233, OMIM 300049.

Allele frequency attached by ClinVar (database versions not stated): gnomAD 0.00001.
gnomAD v4.1: 1 of 1,209,244 alleles (0.000083%); highest among the groups gnomAD compares: Non-Finnish European, 0.00011%; no homozygotes.

Submissions (2):

Labcorp Genetics (formerly Invitae), Labcorp
Classification: Likely benign for Oto-palato-digital syndrome, type II; Heterotopia, periventricular, X-linked dominant; Frontometaphyseal dysplasia; Melnick-Needles syndrome. Last evaluated: 2025-08-25. Review status: criteria provided, single submitter. Criteria: Invitae Variant Classification Sherloc (09022015). Collection method: clinical testing. Allele origin: germline.

GeneDx
Classification: Uncertain significance. Last evaluated: 2023-12-26. Review status: criteria provided, single submitter. Criteria: GeneDx Variant Classification Process June 2021. Collection method: clinical testing. Allele origin: germline. Affected: yes.
Comment: In silico analysis supports that this missense variant does not alter protein structure/function; Has not been previously published as pathogenic or benign to our knowledge